The following is an entry in ClinVar:

ClinVar aggregate classification (germline): Uncertain significance (1 of 4 stars; one submission).

Conditions:
Ataxia-telangiectasia syndrome (AT). Also called: Ataxia-telangiectasia, complementation group D; AT, COMPLEMENTATION GROUP C; ATAXIA-TELANGIECTASIA, COMPLEMENTATION GROUP A; ATAXIA-TELANGIECTASIA, FRESNO VARIANT; Ataxia-telangiectasia; LOUIS-BAR SYNDROME. Identifiers: Orphanet 100, MedGen C0004135, MONDO:0008840, OMIM 208900.

gnomAD v4.1: 1 of 1,607,284 alleles (0.000062%); highest among the groups gnomAD compares: African/African-American, 0.0014%; no homozygotes.

Submission:

Labcorp Genetics (formerly Invitae), Labcorp
Classification: Uncertain significance for Ataxia-telangiectasia syndrome. Last evaluated: 2021-08-16. Review status: criteria provided, single submitter. Criteria: Invitae Variant Classification Sherloc (09022015). Collection method: clinical testing. Allele origin: germline.
Comment: This variant is not present in population databases (ExAC no frequency). This variant has not been reported in the literature in individuals with ATM-related disease. Algorithms developed to predict the effect of missense changes on protein structure and function (SIFT, PolyPhen-2, Align-GVGD) all suggest that this variant is likely to be tolerated, but these predictions have not been confirmed by published functional studies and their clinical significance is uncertain. In summary, the available evidence is currently insufficient to determine the role of this variant in disease. Therefore, it has been classified as a Variant of Uncertain Significance. This sequence change replaces cysteine with phenylalanine at codon 2112 of the ATM protein (p.Cys2112Phe). The cysteine residue is weakly conserved and there is a large physicochemical difference between cysteine and phenylalanine.

NM_000051.4(ATM):c.6335G>T (p.Cys2112Phe)

Genes: ATM (ATM serine/threonine kinase; plus strand), C11orf65 (chromosome 11 open reading frame 65; minus strand). Cytogenetic location: 11q22.3.
Variant type: single nucleotide variant.
Coding change: c.6335G>T on transcript NM_000051.4 (MANE Select); coding-DNA position 6335, G replaced by T.
Protein change: p.Cys2112Phe; replaces cysteine 2112 with phenylalanine.
Molecular consequence: missense variant. On other transcripts: intron variant (2).
Genome position (GRCh38, 1-based): chr11:108,317,509, G>T. VCF-style: chr11-108317509-G-T. GRCh37 (hg19) VCF-style: chr11-108188236-G-T.
Other names: c.6335G>T, p.Cys2112Phe (NM_001351834.2); c.641-8438C>A (NM_001330368.2); c.*39-8438C>A (NM_001351110.2); short protein forms C2112F.
Identifiers: ClinVar variation 643244 (VCV000643244.10), dbSNP rs1591790360, ClinGen allele CA382552296.